The following is an entry in ClinVar:

ClinVar aggregate classification (germline): Uncertain significance. Review status: criteria provided, multiple submitters, no conflicts (2 of 4 stars). 2 submissions from 2 submitters: Uncertain significance (2). Last evaluated 2025-01-09.

Allele frequency attached by ClinVar (database versions not stated): ExAC 0.00001; gnomAD 0.00001; TOPMed 0.00001; gnomAD exomes 0.00004.
gnomAD v4.1: 62 of 1,613,570 alleles (0.0038%); highest among the groups gnomAD compares: Non-Finnish European, 0.0051%; no homozygotes.

Submissions (2):

Ambry Genetics
Classification: Uncertain significance. Last evaluated: 2025-01-09. Review status: criteria provided, single submitter. Criteria: Ambry Variant Classification Scheme 2023. Collection method: clinical testing. Allele origin: germline.

Clinical Genomics Laboratory, Washington University in St. Louis
Classification: Uncertain significance. Last evaluated: 2023-10-23. Review status: criteria provided, single submitter. Criteria: ACMG Guidelines, 2015. Collection method: clinical testing. Allele origin: germline.
Comment: The VAX2 c.371G>C (p.Cys124Ser) variant, to our knowledge, has not been reported in the medical literature and is only observed on 2/250,150 alleles in the general population (gnomAD v.2.1.1), indicating it is not a common variant. This variant changes a nonpolar cysteine to a polar serine, the variant resides within the homeobox region at the end of a helix, and computational predictors indicate that the variant is damaging, evidence that correlates with impact to VAX2 function. Due to limited information, the clinical significance of this variant is uncertain.

NM_012476.3(VAX2):c.371G>C (p.Cys124Ser)

Gene: VAX2 (ventral anterior homeobox 2; plus strand). Cytogenetic location: 2p13.3.
Variant type: single nucleotide variant.
Coding change: c.371G>C on transcript NM_012476.3 (MANE Select); coding-DNA position 371, G replaced by C.
Protein change: p.Cys124Ser; replaces cysteine 124 with serine.
Molecular consequence: missense variant.
Genome position (GRCh38, 1-based): chr2:70,921,221, G>C. VCF-style: chr2-70921221-G-C. GRCh37 (hg19) VCF-style: chr2-71148351-G-C.
Other names: short protein forms C124S.
Identifiers: ClinVar variation 2371179 (VCV002371179.4), dbSNP rs781991079, ClinGen allele CA1700614.
Genomic context (GRCh38, chr2:70,921,221, plus strand): 5'-GGACACGTACATCCTTCACTGCCGAGCAGCTGTACCGCCTGGAGATGGAGTTCCAGCGCT[G>C]CCAGTATGTGGTGGGCCGCGAGCGCACTGAGCTGGCCCGCCAGCTGAACCTCTCCGAGAC-3'
Protein context (NP_036608.1, residues 114-134): LYRLEMEFQR[Cys124Ser]QYVVGRERTE